The following is an entry in ClinVar:

ClinVar aggregate classification (germline): Uncertain significance (1 of 4 stars; one submission).

Conditions:
Developmental delay, impaired speech, and behavioral abnormalities. Identifiers: MedGen C5561957, MONDO:0859178, OMIM 619475.

Submission:

Pittsburgh Clinical Genomics Laboratory, University of Pittsburgh Medical Center
Classification: Uncertain significance for Developmental delay, impaired speech, and behavioral abnormalities. Last evaluated: 2022-09-12. Review status: criteria provided, single submitter. Criteria: ACMG Guidelines, 2015. Collection method: clinical testing. Allele origin: germline. Inheritance: Autosomal dominant inheritance. Affected: yes.
Comment: This sequence variant is a single nucleotide substitution (G>C) at coding nucleotide 5184 of the SPTBN1 gene which results in a glutamine to histidine amino acid change at residue 1728 of the SPTBN1 protein. This is a novel variant which has not been reported in clinical genetics databases or observed in the medical literature in individuals with SPTBN1-related disease, to our knowledge. This variant is absent from the gnomAD control population dataset (0/~250100 alleles). Multiple bioinformatic tools predict that this protein change is likely to be damaging, and glutamine is highly conserved at this protein position in vertebrates. Functiol studies testing the effects of this variant have not been performed, to our knowledge. At this time, there is insufficient evidence to determine if this variant is pathogenic or benign. Therefore, we consider it to be a variant of uncertain significance. ACMG Criteria: PM2, PP3

NM_003128.3(SPTBN1):c.5184G>C (p.Gln1728His)

Gene: SPTBN1 (spectrin beta, non-erythrocytic 1; plus strand). Cytogenetic location: 2p16.2.
Variant type: single nucleotide variant.
Coding change: c.5184G>C on transcript NM_003128.3 (MANE Select); coding-DNA position 5184, G replaced by C.
Protein change: p.Gln1728His; replaces glutamine 1728 with histidine.
Molecular consequence: missense variant.
Genome position (GRCh38, 1-based): chr2:54,649,172, G>C. VCF-style: chr2-54649172-G-C. GRCh37 (hg19) VCF-style: chr2-54876309-G-C.
Other names: c.5145G>C, p.Gln1715His (NM_178313.3); short protein forms Q1715H, Q1728H.
Identifiers: ClinVar variation 3376209 (VCV003376209.1).
Genomic context (GRCh38, chr2:54,649,172, plus strand): 5'-CGACCTGGAGCAGTGGATCGCTGAGAGGGAGGTGGTCGCAGGGTCCCATGAACTGGGACA[G>C]GACTATGAGCATGTCACGGCAAGTACTTGAGGCAGTGCATGAGTTGGTTGTGCAGTAAGC-3'
Protein context (NP_003119.2, residues 1718-1738): EVVAGSHELG[Gln1728His]DYEHVTMLQE